The following is an entry in ClinVar:

NM_080732.4(EGLN2):c.99G>T (p.Arg33Ser)

Genes: EGLN2 (egl-9 family hypoxia inducible factor 2; plus strand), RAB4B-EGLN2 (RAB4B-EGLN2 readthrough (NMD candidate); plus strand). Cytogenetic location: 19q13.2.
Variant type: single nucleotide variant.
Coding change: c.99G>T on transcript NM_080732.4 (MANE Select); coding-DNA position 99, G replaced by T.
Protein change: p.Arg33Ser; replaces arginine 33 with serine.
Molecular consequence: missense variant. On other transcripts: non-coding transcript variant (1).
Genome position (GRCh38, 1-based): chr19:40,800,671, G>T. VCF-style: chr19-40800671-G-T. GRCh37 (hg19) VCF-style: chr19-41306576-G-T.
Other names: c.99G>T, p.Arg33Ser (NM_053046.4); short protein forms R33S.
Identifiers: ClinVar variation 1768896 (VCV001768896.2), dbSNP rs768493983, ClinGen allele CA405954554.

ClinVar aggregate classification (germline): Uncertain significance (1 of 4 stars; one submission).

gnomAD v4.1: 1 of 1,614,048 alleles (0.000062%); highest among the groups gnomAD compares: Non-Finnish European, 0.000085%; no homozygotes.

Submission:

Ambry Genetics
Classification: Uncertain significance. Last evaluated: 2022-06-04. Review status: criteria provided, single submitter. Criteria: Ambry Variant Classification Scheme 2023. Collection method: clinical testing. Allele origin: germline.
Comment: The p.R33S variant (also known as c.99G>T), located in coding exon 1 of the EGLN2 gene, results from a G to T substitution at nucleotide position 99. The arginine at codon 33 is replaced by serine, an amino acid with dissimilar properties. This amino acid position is conserved. In addition, this alteration is predicted to be tolerated by in silico analysis. Since supporting evidence is limited at this time, the clinical significance of this alteration remains unclear.